The following is an entry in ClinVar:

NM_182895.5(SCARF2):c.565G>A (p.Ala189Thr)

Gene: SCARF2 (scavenger receptor class F member 2; minus strand). Cytogenetic location: 22q11.21.
Variant type: single nucleotide variant.
Coding change: c.565G>A on transcript NM_182895.5 (MANE Select); coding-DNA position 565, G replaced by A.
Protein change: p.Ala189Thr; replaces alanine 189 with threonine.
Molecular consequence: missense variant.
Genome position (GRCh38, 1-based): chr22:20,431,307, C>T on the plus strand (G>A on the coding strand, the complement: SCARF2 is on the minus strand). VCF-style: chr22-20431307-C-T. GRCh37 (hg19) VCF-style: chr22-20785594-C-T.
Other names: c.565G>A, p.Ala189Thr (NM_153334.7); c.565G>A (NM_153334.6); short protein forms A189T.
Identifiers: ClinVar variation 2593601 (VCV002593601.7), dbSNP rs779264604, ClinGen allele CA10112613.
Genomic context (GRCh38, chr22:20,431,307, plus strand): 5'-GGCCCCACCAGCCTGCGTGGCACAGGCAGGCGCCGGTCTGTGGGTCGCAGCGCGACGTGG[C>T]GCTGCAGTAGCACGCGCTGGCGCACTGCGCGCCCCACCAGCCGGGCTCACAGCGGCACGC-3'
Protein context (NP_878315.2, residues 179-199): AQCASACYCS[Ala189Thr]TSRCDPQTGA

ClinVar aggregate classification (germline): Conflicting classifications of pathogenicity. Review status: criteria provided, conflicting classifications (1 of 4 stars). 3 submissions from 3 submitters: Uncertain significance (2); Likely benign (1). Last evaluated 2025-10-29.

Conditions:
Inborn genetic diseases. Identifiers: MedGen C0950123, MeSH D030342.

Allele frequency attached by ClinVar (database versions not stated): TOPMed 0.00032; gnomAD 0.00038; ExAC 0.00009.
gnomAD v4.1: 91 of 1,520,556 alleles (0.006%); highest among the groups gnomAD compares: African/African-American, 0.12%; 1 homozygote.

Submissions (3):

Ambry Genetics
Classification: Uncertain significance for Inborn genetic diseases. Last evaluated: 2025-10-29. Review status: criteria provided, single submitter. Criteria: Ambry Variant Classification Scheme 2023. Collection method: clinical testing. Allele origin: germline.

Labcorp Genetics (formerly Invitae), Labcorp
Classification: Likely benign. Last evaluated: 2025-03-18. Review status: criteria provided, single submitter. Criteria: Invitae Variant Classification Sherloc (09022015). Collection method: clinical testing. Allele origin: germline.

GeneDx
Classification: Uncertain significance. Last evaluated: 2025-02-21. Review status: criteria provided, single submitter. Criteria: GeneDx Variant Classification Process June 2021. Collection method: clinical testing. Allele origin: germline. Affected: yes.
Comment: In silico analysis indicates that this missense variant does not alter protein structure/function; Has not been previously published as pathogenic or benign to our knowledge